The following is an entry in ClinVar:

ClinVar aggregate classification (germline): Conflicting classifications of pathogenicity. Review status: criteria provided, conflicting classifications (1 of 4 stars). 5 submissions from 5 submitters: Uncertain significance (4); Likely benign (1). Last evaluated 2026-01-05.

Conditions:
Inborn genetic diseases. Identifiers: MedGen C0950123, MeSH D030342.

Allele frequency attached by ClinVar (database versions not stated): ExAC 0.00014; ESP Exome Variant Server 0.00016; TOPMed 0.00026.
gnomAD v4.1: 577 of 1,613,800 alleles (0.036%); highest among the groups gnomAD compares: Non-Finnish European, 0.044%; 1 homozygote.

Submissions (5):

Labcorp Genetics (formerly Invitae), Labcorp
Classification: Uncertain significance. Last evaluated: 2026-01-05. Review status: criteria provided, single submitter. Criteria: Invitae Variant Classification Sherloc (09022015). Collection method: clinical testing. Allele origin: germline.
Comment: This sequence change replaces lysine, which is basic and polar, with asparagine, which is neutral and polar, at codon 1749 of the PCLO protein (p.Lys1749Asn). This variant is present in population databases (rs370974945, gnomAD 0.04%), including at least one homozygous and/or hemizygous individual. This variant has not been reported in the literature in individuals affected with PCLO-related conditions. ClinVar contains an entry for this variant (Variation ID: 1417473). Experimental studies and prediction algorithms are not available or were not evaluated, and the functional significance of this variant is currently unknown. In summary, the available evidence is currently insufficient to determine the role of this variant in disease. Therefore, it has been classified as a Variant of Uncertain Significance.

Ambry Genetics
Classification: Uncertain significance for Inborn genetic diseases. Last evaluated: 2025-12-02. Review status: criteria provided, single submitter. Criteria: Ambry Variant Classification Scheme 2023. Collection method: clinical testing. Allele origin: germline.

CeGaT Center for Human Genetics Tuebingen
Classification: Likely benign. Last evaluated: 2024-11-01. Review status: criteria provided, single submitter. Criteria: CeGaT Center For Human Genetics Tuebingen Variant Classification Criteria Version 2. Collection method: clinical testing. Allele origin: germline. Affected: yes. Observed: 1 variant allele.
Comment: PCLO: BS1:Supporting

Women's Health and Genetics/Laboratory Corporation of America, LabCorp
Classification: Uncertain significance. Last evaluated: 2023-12-07. Review status: criteria provided, single submitter. Criteria: LabCorp Variant Classification Summary - May 2015. Collection method: clinical testing. Allele origin: germline.
Comment: Variant summary: PCLO c.5247A>C (p.Lys1749Asn) results in a non-conservative amino acid change in the encoded protein sequence. Three of five in-silico tools predict a benign effect of the variant on protein function. The variant allele was found at a frequency of 0.00019 in 249042 control chromosomes in the gnomAD database, including 1 homozygotes. This frequency is not significantly higher than estimated for a pathogenic variant in PCLO causing Pontocerebellar Hypoplasia Type 3, allowing no conclusion about variant significance. To our knowledge, no occurrence of c.5247A>C in individuals affected with Pontocerebellar Hypoplasia Type 3 and no experimental evidence demonstrating its impact on protein function have been reported. One submitter has cited clinical-significance assessments for this variant to ClinVar after 2014 and has classified the variant as uncertain significance. Based on the evidence outlined above, the variant was classified as uncertain significance.

Breakthrough Genomics
Classification: Uncertain significance. Review status: criteria provided, single submitter. Criteria: ACMG Guidelines, 2015. Collection method: not provided. Allele origin: germline. Inheritance: Autosomal recessive inheritance. Affected: yes.

NM_033026.6(PCLO):c.5247A>C (p.Lys1749Asn)

Gene: PCLO (piccolo presynaptic cytomatrix protein; minus strand). Cytogenetic location: 7q21.11.
Variant type: single nucleotide variant.
Coding change: c.5247A>C on transcript NM_033026.6 (MANE Select); coding-DNA position 5247, A replaced by C.
Protein change: p.Lys1749Asn; replaces lysine 1749 with asparagine.
Molecular consequence: missense variant.
Genome position (GRCh38, 1-based): chr7:82,955,706, T>G on the plus strand (A>C on the coding strand, the complement: PCLO is on the minus strand). VCF-style: chr7-82955706-T-G. GRCh37 (hg19) VCF-style: chr7-82585022-T-G.
Other names: c.5247A>C, p.Lys1749Asn (NM_014510.3); c.5247A>C (NM_033026.5); short protein forms K1749N.
Identifiers: ClinVar variation 1417473 (VCV001417473.22), dbSNP rs370974945, ClinGen allele CA4320685.
Genomic context (GRCh38, chr7:82,955,706, plus strand): 5'-AGTAGGCAAAAGAGGGCCATGTGGTCTGTGCCGAGCTTTGCGTTGCTGTTTGCTCTCTCC[T>G]TTTTTGTGACTCGGGCTACTGTCACTGTCCTCATCAAGTGATGATACTGATGTAGGGGAT-3'
Protein context (NP_149015.2, residues 1739-1759): EDSDSSPSHK[Lys1749Asn]GESKQQRKAR